The following is an entry in ClinVar:

NM_001165963.4(SCN1A):c.1047T>A (p.Tyr349Ter)

Gene: SCN1A (sodium voltage-gated channel alpha subunit 1; minus strand). Cytogenetic location: 2q24.3.
Variant type: single nucleotide variant.
Coding change: c.1047T>A on transcript NM_001165963.4 (MANE Select); coding-DNA position 1047, T replaced by A.
Protein change: p.Tyr349Ter; replaces tyrosine 349 with a stop codon.
Molecular consequence: nonsense. On other transcripts: 5 prime UTR variant (1), non-coding transcript variant (1).
Genome position (GRCh38, 1-based): chr2:166,047,750, A>T on the plus strand (T>A on the coding strand, the complement: SCN1A is on the minus strand). VCF-style: chr2-166047750-A-T. GRCh37 (hg19) VCF-style: chr2-166904260-A-T.
Other names: c.1047T>A, p.Tyr349Ter (NM_001165964.3, NM_001202435.3, NM_001353948.2 and 10 more transcripts); c.-1379T>A (NM_001353961.2); short protein forms Y349*.
Identifiers: ClinVar variation 2050333 (VCV002050333.4), dbSNP rs1369404945, ClinGen allele CA349071419.

ClinVar aggregate classification (germline): Pathogenic (1 of 4 stars; one submission).

Conditions:
Early-infantile DEE. Also called: Early infantile epileptic encephalopathy; Ohtahara syndrome; Early infantile epileptic encephalopathy with suppression bursts. Identifiers: Orphanet 1934, MedGen C0393706, MONDO:0800491.

Submission:

Labcorp Genetics (formerly Invitae), Labcorp
Classification: Pathogenic for Early-infantile DEE. Last evaluated: 2024-10-22. Review status: criteria provided, single submitter. Criteria: Invitae Variant Classification Sherloc (09022015). Collection method: clinical testing. Allele origin: germline.
Comment: This sequence change creates a premature translational stop signal (p.Tyr349*) in the SCN1A gene. It is expected to result in an absent or disrupted protein product. Loss-of-function variants in SCN1A are known to be pathogenic (PMID: 17347258, 18930999). This variant is not present in population databases (gnomAD no frequency). This variant has not been reported in the literature in individuals affected with SCN1A-related conditions. ClinVar contains an entry for this variant (Variation ID: 2050333). Algorithms developed to predict the effect of sequence changes on RNA splicing suggest that this variant may disrupt the consensus splice site. For these reasons, this variant has been classified as Pathogenic.

Literature cited by the submitters: PubMed 17347258; PubMed 18930999.